The following is an entry in ClinVar:

NM_004933.3(CDH15):c.1930C>T (p.Gln644Ter)

Gene: CDH15 (cadherin 15; plus strand). Cytogenetic location: 16q24.3.
Variant type: single nucleotide variant.
Coding change: c.1930C>T on transcript NM_004933.3 (MANE Select); coding-DNA position 1930, C replaced by T.
Protein change: p.Gln644Ter; replaces glutamine 644 with a stop codon.
Molecular consequence: nonsense.
Genome position (GRCh38, 1-based): chr16:89,193,544, C>T. VCF-style: chr16-89193544-C-T. GRCh37 (hg19) VCF-style: chr16-89259952-C-T.
Other names: short protein forms Q644*.
Identifiers: ClinVar variation 3027019 (VCV003027019.22), dbSNP rs773366600, ClinGen allele CA397141652.

ClinVar aggregate classification (germline): Uncertain significance (1 of 4 stars; one submission).

Submission:

CeGaT Center for Human Genetics Tuebingen
Classification: Uncertain significance. Last evaluated: 2024-01-01. Review status: criteria provided, single submitter. Criteria: CeGaT Center For Human Genetics Tuebingen Variant Classification Criteria Version 2. Collection method: clinical testing. Allele origin: germline. Affected: yes. Observed: 1 variant allele.
Comment: CDH15: PM2